The following is an entry in ClinVar:

ClinVar aggregate classification (germline): Likely benign (1 of 4 stars; one submission).

Submission:

Laboratory for Molecular Medicine, Mass General Brigham Personalized Medicine
Classification: Likely benign. Last evaluated: 2019-07-19. Review status: criteria provided, single submitter. Criteria: LMM Criteria. Collection method: clinical testing. Allele origin: germline. Observed: 1 variant allele.
Comment: The p.Ile1125Ile variant in TECTA is classified as likely benign because it does not alter an amino acid residue, is not located within the splice consensus site, and computational splice prediction tools do not predict an impact on splicing. It was absent from large population studies. ACMG/AMP Criteria applied: PM2, BP4, BP7.

NM_005422.4(TECTA):c.3375C>T (p.Ile1125=)

Genes: TBCEL-TECTA (TBCEL-TECTA readthrough; plus strand), TECTA (tectorin alpha; plus strand). Cytogenetic location: 11q23.3.
Variant type: single nucleotide variant.
Coding change: c.3375C>T on transcript NM_005422.4 (MANE Select); coding-DNA position 3375, C replaced by T.
Protein change: p.Ile1125=; no amino-acid change (isoleucine 1125 retained).
Molecular consequence: synonymous variant.
Genome position (GRCh38, 1-based): chr11:121,137,854, C>T. VCF-style: chr11-121137854-C-T. GRCh37 (hg19) VCF-style: chr11-121008563-C-T.
Other names: c.4332C>T, p.Ile1444= (NM_001378761.1).
Identifiers: ClinVar variation 929984 (VCV000929984.4), dbSNP rs1946747020, ClinGen allele CA477382789.